The following is an entry in ClinVar:

NM_178857.6(RP1L1):c.3971A>G (p.Glu1324Gly)

Gene: RP1L1 (RP1 like 1). Cytogenetic location: 8p23.1.
Variant type: single nucleotide variant.
Coding change: c.3971A>G on transcript NM_178857.6 (MANE Select); coding-DNA position 3971, A replaced by G.
Protein change: p.Glu1324Gly; replaces glutamic acid 1324 with glycine.
Molecular consequence: missense variant.
Genome position (GRCh38, 1-based): chr8:10,610,127, T>C on the plus strand (A>G on the coding strand, the complement: RP1L1 is on the minus strand). VCF-style: chr8-10610127-T-C. GRCh37 (hg19) VCF-style: chr8-10467637-T-C.
Other names: short protein forms E1324G.
Identifiers: ClinVar variation 361297 (VCV000361297.19), dbSNP rs4240659, ClinGen allele CA10629800.

ClinVar aggregate classification (germline): Conflicting classifications of pathogenicity. Review status: criteria provided, conflicting classifications (1 of 4 stars). 10 submissions from 9 submitters: Uncertain significance (1); Benign (3); Likely benign (1). 5 of the submissions do not count toward it. Last evaluated 2025-02-16.

Conditions:
Retinitis pigmentosa 88. Identifiers: MedGen C5394208, MONDO:0032940, OMIM 618826.
Occult macular dystrophy (OCMD). Also called: OCCULT MACULAR DYSTROPHY, SUSCEPTIBILITY TO; OMD. Identifiers: Orphanet 247834, MedGen C3150833, MONDO:0013316, OMIM 613587, HP:0030636.

Submissions (10):

Laboratory of Genetics, Children's Clinical University Hospital Latvia
Classification: Likely benign. Last evaluated: 2025-02-16. Review status: criteria provided, single submitter. Criteria: ACMG Guidelines, 2015. Collection method: clinical testing. Allele origin: germline. Affected: yes.

Mendelics
Classification: Benign. Last evaluated: 2022-05-04. Review status: criteria provided, single submitter. Criteria: Mendelics Assertion Criteria 2019. Collection method: clinical testing. Allele origin: germline.

Genome-Nilou Lab
Classification: Benign for Occult macular dystrophy. Last evaluated: 2021-11-07. Review status: criteria provided, single submitter. Criteria: ACMG Guidelines, 2015. Collection method: clinical testing. Allele origin: germline. Affected: no.

Genome-Nilou Lab
Classification: Benign for Retinitis pigmentosa 88. Last evaluated: 2021-11-07. Review status: criteria provided, single submitter. Criteria: ACMG Guidelines, 2015. Collection method: clinical testing. Allele origin: germline. Affected: no.

Illumina Laboratory Services, Illumina
Classification: Uncertain significance for Occult macular dystrophy. Last evaluated: 2018-01-12. Review status: criteria provided, single submitter. Criteria: ICSL Variant Classification Criteria 13 December 2019. Collection method: clinical testing. Allele origin: germline.

Clinical Genetics DNA and cytogenetics Diagnostics Lab, Erasmus MC, Erasmus Medical Center
Classification: Likely benign. Review status: no assertion criteria provided. Collection method: clinical testing. Allele origin: germline. Affected: yes. Study: VKGL Data-share Consensus. Not counted in ClinVar's aggregate classification.

Clinical Genetics, Academic Medical Center
Classification: Benign. Review status: no assertion criteria provided. Collection method: clinical testing. Allele origin: germline. Affected: yes. Study: VKGL Data-share Consensus. Not counted in ClinVar's aggregate classification.

Department of Pathology and Laboratory Medicine, Sinai Health System
Classification: Uncertain significance. Review status: no assertion criteria provided. Collection method: clinical testing. Allele origin: unknown. Affected: yes. Study: The Canadian Open Genetics Repository (COGR). Not counted in ClinVar's aggregate classification.
Comment: The RP1L1 p.Glu1324Gly variant was not identified in the literature nor was it identified in the Cosmic database. The variant was identified in dbSNP (ID: rs4240659), Clinvitae, MutDB, ClinVar (reported as a VUS for occult macular dystrophy by Illumina) and LOVD 3.0 (reported as benign). The variant was not identified in the following control databases: the 1000 Genomes Project, the NHLBI GO Exome Sequencing Project, the Exome Aggregation Consortium (August 8th 2016), or the Genome Aggregation Database (Feb 27, 2017). The p.Glu1324 residue is not conserved across mammals and other organisms and three out of four computational analyses (PolyPhen-2, AlignGVGD, MutationTaster) do not suggest a high likelihood of impact to the protein; this information is not predictive enough to rule out pathogenicity. In summary, based on the above information the clinical significance of this variant cannot be determined with certainty at this time. This variant is classified as a variant of uncertain significance.

Diagnostic Laboratory, Department of Genetics, University Medical Center Groningen
Classification: Benign. Review status: no assertion criteria provided. Collection method: clinical testing. Allele origin: germline. Affected: yes. Study: VKGL Data-share Consensus. Not counted in ClinVar's aggregate classification.

Joint Genome Diagnostic Labs from Nijmegen and Maastricht, Radboudumc and MUMC+
Classification: Likely benign. Review status: no assertion criteria provided. Collection method: clinical testing. Allele origin: germline. Affected: yes. Study: VKGL Data-share Consensus. Not counted in ClinVar's aggregate classification.